The following is an entry in ClinVar:

NM_052845.4(MMAB):c.645-4C>T

Gene: MMAB (metabolism of cobalamin associated B; minus strand). Cytogenetic location: 12q24.11.
Variant type: single nucleotide variant.
Coding change: c.645-4C>T on transcript NM_052845.4 (MANE Select); 4 bases into the intron before coding-DNA position 645, C replaced by T.
Molecular consequence: intron variant.
Genome position (GRCh38, 1-based): chr12:109,557,140, G>A on the plus strand (C>T on the coding strand, the complement: MMAB is on the minus strand). VCF-style: chr12-109557140-G-A. GRCh37 (hg19) VCF-style: chr12-109994945-G-A.
Identifiers: ClinVar variation 382959 (VCV000382959.1), dbSNP rs1057521493, ClinGen allele CA16606061.
Genomic context (GRCh38, chr12:109,557,140, plus strand): 5'-TGATTCCCCTCCTTCATGGCTGCATATCTGGCTAGCGTGAAGAGATAGTCACTGAGTCTG[G>A]AGGGGCAGAGAGAGAGAAGCAAACAGAATGGTTTGAAATGAGAGATCAACGCTAACTGGG-3'

ClinVar aggregate classification (germline): Likely benign (1 of 4 stars; one submission).

Allele frequency attached by ClinVar (database versions not stated): gnomAD 0.00001.
gnomAD v4.1: 1 of 1,584,722 alleles (0.000063%); highest among the groups gnomAD compares: African/African-American, 0.0013%; no homozygotes.

Submission:

GeneDx
Classification: Likely benign. Last evaluated: 2016-03-07. Review status: criteria provided, single submitter. Criteria: GeneDx Variant Classification (06012015). Collection method: clinical testing. Allele origin: germline. Affected: yes.
Comment: This variant is considered likely benign or benign based on one or more of the following criteria: it is a conservative change, it occurs at a poorly conserved position in the protein, it is predicted to be benign by multiple in silico algorithms, and/or has population frequency not consistent with disease.